The following is an entry in ClinVar:

ClinVar aggregate classification (germline): Uncertain significance (1 of 4 stars; one submission).

Conditions:
Multiple gastrointestinal atresias. Also called: FAMILIAL INTESTINAL POLYATRESIA SYNDROME; Multiple intestinal atresia. Identifiers: Orphanet 2300, MedGen C0220744, MONDO:0009465.

Allele frequency attached by ClinVar (database versions not stated): gnomAD exomes below 0.00001; TOPMed below 0.00001.
gnomAD v4.1: 1 of 1,610,166 alleles (0.000062%); highest among the groups gnomAD compares: South Asian, 0.0011%; no homozygotes.

Submission:

Labcorp Genetics (formerly Invitae), Labcorp
Classification: Uncertain significance for Multiple gastrointestinal atresias. Last evaluated: 2024-12-09. Review status: criteria provided, single submitter. Criteria: Invitae Variant Classification Sherloc (09022015). Collection method: clinical testing. Allele origin: germline.
Comment: This sequence change replaces alanine, which is neutral and non-polar, with serine, which is neutral and polar, at codon 677 of the TTC7A protein (p.Ala677Ser). This variant is not present in population databases (gnomAD no frequency). This variant has not been reported in the literature in individuals affected with TTC7A-related conditions. ClinVar contains an entry for this variant (Variation ID: 2777806). Invitae Evidence Modeling of protein sequence and biophysical properties (such as structural, functional, and spatial information, amino acid conservation, physicochemical variation, residue mobility, and thermodynamic stability) indicates that this missense variant is not expected to disrupt TTC7A protein function with a negative predictive value of 80%. In summary, the available evidence is currently insufficient to determine the role of this variant in disease. Therefore, it has been classified as a Variant of Uncertain Significance.

NM_020458.4(TTC7A):c.2029G>T (p.Ala677Ser)

Gene: TTC7A (tetratricopeptide repeat domain 7A; plus strand). Cytogenetic location: 2p21.
Variant type: single nucleotide variant.
Coding change: c.2029G>T on transcript NM_020458.4 (MANE Select); coding-DNA position 2029, G replaced by T.
Protein change: p.Ala677Ser; replaces alanine 677 with serine.
Molecular consequence: missense variant.
Genome position (GRCh38, 1-based): chr2:47,051,757, G>T. VCF-style: chr2-47051757-G-T. GRCh37 (hg19) VCF-style: chr2-47278896-G-T.
Other names: c.2101G>T, p.Ala701Ser (NM_001288951.2); c.1927G>T, p.Ala643Ser (NM_001288953.2); c.967G>T, p.Ala323Ser (NM_001288955.2); short protein forms A643S, A701S, A323S, A677S.
Identifiers: ClinVar variation 2777806 (VCV002777806.3), dbSNP rs1038944270, ClinGen allele CA46626597.